The following is an entry in ClinVar:

ClinVar aggregate classification (germline): Uncertain significance (1 of 4 stars; one submission).

Conditions:
Inborn genetic diseases. Identifiers: MedGen C0950123, MeSH D030342.

gnomAD v4.1: 1 of 1,602,126 alleles (0.000062%); highest among the groups gnomAD compares: East Asian, 0.0022%; no homozygotes.

Submission:

Ambry Genetics
Classification: Uncertain significance for Inborn genetic diseases. Last evaluated: 2025-09-10. Review status: criteria provided, single submitter. Criteria: Ambry Variant Classification Scheme 2023. Collection method: clinical testing. Allele origin: germline.
Comment: The p.T266A variant (also known as c.796A>G), located in coding exon 6 of the KDM1A gene, results from an A to G substitution at nucleotide position 796. The threonine at codon 266 is replaced by alanine, an amino acid with similar properties. This amino acid position is conserved. In addition, this alteration is predicted to be tolerated by in silico analysis. Based on the available evidence, the clinical significance of this variant remains unclear.

NM_001009999.3(KDM1A):c.796A>G (p.Thr266Ala)

Gene: KDM1A (lysine demethylase 1A; plus strand). Cytogenetic location: 1p36.12.
Variant type: single nucleotide variant.
Coding change: c.796A>G on transcript NM_001009999.3 (MANE Select); coding-DNA position 796, A replaced by G.
Protein change: p.Thr266Ala; replaces threonine 266 with alanine.
Molecular consequence: missense variant.
Genome position (GRCh38, 1-based): chr1:23,055,074, A>G. VCF-style: chr1-23055074-A-G. GRCh37 (hg19) VCF-style: chr1-23381567-A-G.
Other names: c.736A>G, p.Thr246Ala (NM_001363654.2, NM_001410763.1, NM_015013.4); c.796A>G, p.Thr266Ala (NM_001410762.1); short protein forms T266A, T246A.
Identifiers: ClinVar variation 4091113 (VCV004091113.1).